The following is an entry in ClinVar:

ClinVar aggregate classification (germline): Benign/Likely benign. Review status: criteria provided, multiple submitters, no conflicts (2 of 4 stars). 5 submissions from 5 submitters: Benign (1); Likely benign (3). 1 of the submissions does not count toward it. Last evaluated 2026-01-24.

Conditions:
VPS13A-related neurodegenerative disease. Also called: LEVINE-CRITCHLEY SYNDROME; VPS13A Disease; ACANTHOCYTOSIS WITH NEUROLOGIC DISORDER; Choreoacanthocytosis; Chorea-acanthocytosis; Choreaacanthocytosis. Identifiers: Orphanet 2388, MedGen C0393576, MONDO:0008695, OMIM 200150.

Allele frequency attached by ClinVar (database versions not stated): gnomAD 0.00172 and 0.00183; TOPMed 0.00218; 1000 Genomes Project 30x 0.00265; 1000 Genomes Project 0.00280; gnomAD exomes 0.00016 and 0.00062; ESP Exome Variant Server 0.00062; ExAC 0.00071.
gnomAD v4.1: 503 of 1,572,962 alleles (0.032%); highest among the groups gnomAD compares: African/African-American, 0.54%; 4 homozygotes.

Submissions (5):

Labcorp Genetics (formerly Invitae), Labcorp
Classification: Benign. Last evaluated: 2026-01-24. Review status: criteria provided, single submitter. Criteria: Invitae Variant Classification Sherloc (09022015). Collection method: clinical testing. Allele origin: germline.

Blueprint Genetics
Classification: Likely benign. Last evaluated: 2024-09-05. Review status: criteria provided, single submitter. Criteria: ACMG Guidelines, 2015. Collection method: clinical testing. Allele origin: germline.

GeneDx
Classification: Likely benign. Last evaluated: 2021-06-18. Review status: criteria provided, single submitter. Criteria: GeneDx Variant Classification Process June 2021. Collection method: clinical testing. Allele origin: germline. Affected: yes.

Illumina Laboratory Services, Illumina
Classification: Likely benign for VPS13A-related neurodegenerative disease. Last evaluated: 2018-01-13. Review status: criteria provided, single submitter. Criteria: ICSL Variant Classification Criteria 13 December 2019. Collection method: clinical testing. Allele origin: germline.
Comment: This variant was observed in the ICSL laboratory as part of a predisposition screen in an ostensibly healthy population. It had not been previously curated by ICSL or reported in the Human Gene Mutation Database (HGMD: prior to June 1st, 2018), and was therefore a candidate for classification through an automated scoring system. Utilizing variant allele frequency, disease prevalence and penetrance estimates, and inheritance mode, an automated score was calculated to assess if this variant is too frequent to cause the disease. Based on the score and internal cut-off values, a variant classified as likely benign is not then subjected to further curation. The score for this variant resulted in a classification of likely benign for this disease.

Natera, Inc.
Classification: Likely benign for Choreaacanthocytosis. Last evaluated: 2019-10-23. Review status: no assertion criteria provided. Collection method: clinical testing. Allele origin: germline. Not counted in ClinVar's aggregate classification.

NM_033305.3(VPS13A):c.9078-7C>T

Gene: VPS13A (vacuolar protein sorting 13 homolog A; plus strand). Cytogenetic location: 9q21.2.
Variant type: single nucleotide variant.
Coding change: c.9078-7C>T on transcript NM_033305.3 (MANE Select); 7 bases into the intron before coding-DNA position 9078, C replaced by T.
Molecular consequence: intron variant.
Genome position (GRCh38, 1-based): chr9:77,381,969, C>T. VCF-style: chr9-77381969-C-T. GRCh37 (hg19) VCF-style: chr9-79996885-C-T.
Other names: c.8961-7C>T (NM_001018037.2); c.9078-7C>T (NM_015186.4, NM_001018038.3).
Identifiers: ClinVar variation 699212 (VCV000699212.19), dbSNP rs186819389, ClinGen allele CA5093869.